The following is an entry in ClinVar:

NC_000014.8:g.(?_50596659)_(50606797_?)dup

Gene: SOS2 (SOS Ras/Rho guanine nucleotide exchange factor 2; minus strand). Cytogenetic location: 14q21.3.
Variant type: Duplication.
Identifiers: ClinVar variation 3244041 (VCV003244041.1).

ClinVar aggregate classification (germline): Uncertain significance (1 of 4 stars; one submission).

Conditions:
Noonan syndrome 9 (NS9). Identifiers: Orphanet 648, MedGen C4225282, MONDO:0014691, OMIM 616559.

Submission:

Labcorp Genetics (formerly Invitae), Labcorp
Classification: Uncertain significance for Noonan syndrome 9. Last evaluated: 2023-02-18. Review status: criteria provided, single submitter. Criteria: Invitae Variant Classification Sherloc (09022015). Collection method: clinical testing. Allele origin: unknown.
Comment: This variant results in a copy number gain of the genomic region encompassing exon(s) 17-21 of the SOS2 gene. While the exact position of this variant cannot be determined from the data, sub-genic copy number gains are generally in tandem (PMID: 25640679). This variant is predicted to be out-of-frame, and may result in an absent or disrupted protein product. However, the current clinical and genetic evidence is not sufficient to establish whether loss-of-function variants in SOS2 cause disease. This variant has not been reported in the literature in individuals affected with SOS2-related conditions. In summary, the available evidence is currently insufficient to determine the role of this variant in disease. Therefore, it has been classified as a Variant of Uncertain Significance.

Literature cited by the submitters: PubMed 25640679.